The following is an entry in ClinVar:

NM_000926.4(PGR):c.933C>T (p.Leu311=)

Gene: PGR (progesterone receptor; minus strand). Cytogenetic location: 11q22.1.
Variant type: single nucleotide variant.
Coding change: c.933C>T on transcript NM_000926.4 (MANE Select); coding-DNA position 933, C replaced by T.
Protein change: p.Leu311=; no amino-acid change (leucine 311 retained).
Molecular consequence: synonymous variant. On other transcripts: non-coding transcript variant (3), intron variant (1).
Genome position (GRCh38, 1-based): chr11:101,128,138, G>A on the plus strand (C>T on the coding strand, the complement: PGR is on the minus strand). VCF-style: chr11-101128138-G-A. GRCh37 (hg19) VCF-style: chr11-100998869-G-A.
Other names: c.441C>T, p.Leu147= (NM_001202474.3, NM_001271161.2); c.-146+1290C>T (NM_001271162.2).
Identifiers: ClinVar variation 2642312 (VCV002642312.24), dbSNP rs752811872, ClinGen allele CA6243799.

ClinVar aggregate classification (germline): Likely benign (1 of 4 stars; one submission).

Allele frequency attached by ClinVar (database versions not stated): ExAC 0.00004; gnomAD 0.00004; TOPMed 0.00005; gnomAD exomes 0.00017.
gnomAD v4.1: 247 of 1,598,382 alleles (0.015%); highest among the groups gnomAD compares: Non-Finnish European, 0.02%; no homozygotes.

Submission:

CeGaT Center for Human Genetics Tuebingen
Classification: Likely benign. Last evaluated: 2023-02-01. Review status: criteria provided, single submitter. Criteria: CeGaT Center For Human Genetics Tuebingen Variant Classification Criteria Version 2. Collection method: clinical testing. Allele origin: germline. Affected: yes. Observed: 1 variant allele.
Comment: PGR: BP4, BP7